The following is an entry in ClinVar:

ClinVar aggregate classification (germline): Pathogenic (1 of 4 stars; one submission).

Conditions:
Cohen syndrome (COH1). Also called: Cutis verticis gyrata, retinitis pigmentosa, and sensorineural deafness; PEPPER SYNDROME. Identifiers: Orphanet 193, MedGen C0265223, MONDO:0008999, OMIM 216550.

Submission:

Labcorp Genetics (formerly Invitae), Labcorp
Classification: Pathogenic for Cohen syndrome. Last evaluated: 2025-10-09. Review status: criteria provided, single submitter. Criteria: Invitae Variant Classification Sherloc (09022015). Collection method: clinical testing. Allele origin: germline.
Comment: This sequence change creates a premature translational stop signal (p.Gly3473*) in the VPS13B gene. It is expected to result in an absent or disrupted protein product. Loss-of-function variants in VPS13B are known to be pathogenic (PMID: 15141358, 16648375, 20461111). This variant is not present in population databases (gnomAD no frequency). This variant has not been reported in the literature in individuals affected with VPS13B-related conditions. For these reasons, this variant has been classified as Pathogenic.

Literature cited by the submitters: PubMed 15141358; PubMed 16648375; PubMed 20461111.

NM_152564.5(VPS13B):c.10342G>T (p.Gly3448Ter)

Gene: VPS13B (vacuolar protein sorting 13 homolog B; plus strand). Cytogenetic location: 8q22.2.
Variant type: single nucleotide variant.
Coding change: c.10342G>T on transcript NM_152564.5 (MANE Select); coding-DNA position 10342, G replaced by T.
Protein change: p.Gly3448Ter; replaces glycine 3448 with a stop codon.
Molecular consequence: nonsense.
Genome position (GRCh38, 1-based): chr8:99,853,731, G>T. VCF-style: chr8-99853731-G-T. GRCh37 (hg19) VCF-style: chr8-100865959-G-T.
Other names: c.10417G>T, p.Gly3473Ter (NM_017890.5); short protein forms G3473*, G3448*.
Identifiers: ClinVar variation 4724237 (VCV004724237.1).
Genomic context (GRCh38, chr8:99,853,731, plus strand): 5'-CAGCTAGACAACCAGCTTTATAACAAGTCCAATTTCCACTTTGCTGTCTTAGTCTGCCAG[G>T]GAGAAAAAGCAGAACCCATTCAGTGTTCCAAAATGCAGAGTCTCCTCATATCCAACAAAG-3'